The following is an entry in ClinVar:

NM_172364.5(CACNA2D4):c.121C>G (p.Pro41Ala)

Gene: CACNA2D4 (calcium voltage-gated channel auxiliary subunit alpha2delta 4; minus strand). Cytogenetic location: 12p13.33.
Variant type: single nucleotide variant.
Coding change: c.121C>G on transcript NM_172364.5 (MANE Select); coding-DNA position 121, C replaced by G.
Protein change: p.Pro41Ala; replaces proline 41 with alanine.
Molecular consequence: missense variant.
Genome position (GRCh38, 1-based): chr12:1,918,353, G>C on the plus strand (C>G on the coding strand, the complement: CACNA2D4 is on the minus strand). VCF-style: chr12-1918353-G-C. GRCh37 (hg19) VCF-style: chr12-2027519-G-C.
Other names: c.121C>G (NM_172364.4); short protein forms P41A.
Identifiers: ClinVar variation 2801664 (VCV002801664.4), dbSNP rs1170423858, ClinGen allele CA383366211.

ClinVar aggregate classification (germline): Uncertain significance. Review status: criteria provided, multiple submitters, no conflicts (2 of 4 stars). 2 submissions from 2 submitters: Uncertain significance (2). Last evaluated 2024-12-05.

Conditions:
Inborn genetic diseases. Identifiers: MedGen C0950123, MeSH D030342.

Allele frequency attached by ClinVar (database versions not stated): gnomAD 0.00002.
gnomAD v4.1: 3 of 1,607,154 alleles (0.00019%); highest among the groups gnomAD compares: African/African-American, 0.004%; no homozygotes.

Submissions (2):

Ambry Genetics
Classification: Uncertain significance for Inborn genetic diseases. Last evaluated: 2024-12-05. Review status: criteria provided, single submitter. Criteria: Ambry Variant Classification Scheme 2023. Collection method: clinical testing. Allele origin: germline.

Labcorp Genetics (formerly Invitae), Labcorp
Classification: Uncertain significance. Last evaluated: 2022-10-22. Review status: criteria provided, single submitter. Criteria: Invitae Variant Classification Sherloc (09022015). Collection method: clinical testing. Allele origin: germline.
Comment: Algorithms developed to predict the effect of missense changes on protein structure and function (SIFT, PolyPhen-2, Align-GVGD) all suggest that this variant is likely to be tolerated. This sequence change replaces proline, which is neutral and non-polar, with alanine, which is neutral and non-polar, at codon 41 of the CACNA2D4 protein (p.Pro41Ala). This variant is present in population databases (no rsID available, gnomAD 0.01%). This variant has not been reported in the literature in individuals affected with CACNA2D4-related conditions. In summary, the available evidence is currently insufficient to determine the role of this variant in disease. Therefore, it has been classified as a Variant of Uncertain Significance.